The following is an entry in ClinVar:

ClinVar aggregate classification (germline): Uncertain significance. Review status: criteria provided, multiple submitters, no conflicts (2 of 4 stars). 3 submissions from 3 submitters: Uncertain significance (3). Last evaluated 2025-10-22.

Conditions:
Inborn genetic diseases. Identifiers: MedGen C0950123, MeSH D030342.
Polyglucosan body myopathy type 1 (PGBM1). Also called: Polyglucosan body myopathy 1 with or without immunodeficiency; POLYGLUCOSAN BODY MYOPATHY WITHOUT IMMUNODEFICIENCY. Identifiers: Orphanet 329173, Orphanet 397937, MedGen C4014605, MONDO:0014389, OMIM 615895.

Allele frequency attached by ClinVar (database versions not stated): gnomAD exomes 0.00002; gnomAD 0.00011 and 0.00014; ESP Exome Variant Server 0.00008; TOPMed 0.00011; ExAC 0.00004.
gnomAD v4.1: 70 of 1,610,576 alleles (0.0043%); highest among the groups gnomAD compares: African/African-American, 0.019%; 1 homozygote.

Submissions (3):

Ambry Genetics
Classification: Uncertain significance for Inborn genetic diseases. Last evaluated: 2025-10-22. Review status: criteria provided, single submitter. Criteria: Ambry Variant Classification Scheme 2023. Collection method: clinical testing. Allele origin: germline.

Labcorp Genetics (formerly Invitae), Labcorp
Classification: Uncertain significance for Polyglucosan body myopathy type 1. Last evaluated: 2023-12-11. Review status: criteria provided, single submitter. Criteria: Invitae Variant Classification Sherloc (09022015). Collection method: clinical testing. Allele origin: germline.
Comment: This sequence change replaces arginine, which is basic and polar, with cysteine, which is neutral and slightly polar, at codon 446 of the RBCK1 protein (p.Arg446Cys). The frequency data for this variant in the population databases is considered unreliable, as metrics indicate poor data quality at this position in the gnomAD database. This variant has not been reported in the literature in individuals affected with RBCK1-related conditions. ClinVar contains an entry for this variant (Variation ID: 626004). Advanced modeling of protein sequence and biophysical properties (such as structural, functional, and spatial information, amino acid conservation, physicochemical variation, residue mobility, and thermodynamic stability) performed at Invitae indicates that this missense variant is not expected to disrupt RBCK1 protein function with a negative predictive value of 80%. In summary, the available evidence is currently insufficient to determine the role of this variant in disease. Therefore, it has been classified as a Variant of Uncertain Significance.

Center for Genomics, Ann and Robert H. Lurie Children's Hospital of Chicago
Classification: Uncertain significance for Polyglucosan body myopathy type 1. Last evaluated: 2021-03-30. Review status: criteria provided, single submitter. Criteria: ACMG Guidelines, 2015. Collection method: clinical testing. Allele origin: germline.
Comment: RBCK1 NM_031229.3 exon 11 p.Arg446Cys (c.1336C>T): This variant has not been reported in the literature but is present in 0.008% (2/24500) of African alleles in the Genome Aggregation Database. Evolutionary conservation suggests that this variant may not impact the protein; computational predictive tools are unclear. In summary, data on this variant is insufficient for disease classification. Therefore, the clinical significance of this variant is uncertain.

NM_031229.4(RBCK1):c.1336C>T (p.Arg446Cys)

Gene: RBCK1 (RANBP2-type and C3HC4-type zinc finger containing 1; plus strand). Cytogenetic location: 20p13.
Variant type: single nucleotide variant.
Coding change: c.1336C>T on transcript NM_031229.4 (MANE Select); coding-DNA position 1336, C replaced by T.
Protein change: p.Arg446Cys; replaces arginine 446 with cysteine.
Molecular consequence: missense variant. On other transcripts: non-coding transcript variant (1).
Genome position (GRCh38, 1-based): chr20:428,978, C>T. VCF-style: chr20-428978-C-T. GRCh37 (hg19) VCF-style: chr20-409622-C-T.
Other names: c.826C>T, p.Arg276Cys (NM_001323956.2, NM_001323958.2); c.1210C>T, p.Arg404Cys (NM_006462.6); c.1336C>T (NM_031229.2); short protein forms R446C, R404C, R276C.
Identifiers: ClinVar variation 626004 (VCV000626004.8), dbSNP rs372540581, ClinGen allele CA9723353.